The following is an entry in ClinVar:

ClinVar aggregate classification (germline): Uncertain significance (1 of 4 stars; one submission).

Conditions:
Cernunnos-XLF deficiency (IMD124). Also called: SCID, AUTOSOMAL RECESSIVE, T CELL-NEGATIVE, B CELL-NEGATIVE, NK CELL-POSITIVE, WITH MICROCEPHALY, GROWTH RETARDATION, AND SENSITIVITY TO IONIZING RADIATION; NHEJ1 SYNDROME; Severe combined immunodeficiency with sensitivity to ionizing radiation due to NHEJ1 deficiency; SCID, autosomal recessive, T cell-negative, B cell-negative, NK cell-positive, and sensitivity to ionizing radiation due to NHEJ1 deficiency; IMMUNODEFICIENCY 124, SEVERE COMBINED. Identifiers: Orphanet 169079, MedGen C1969799, MONDO:0012650, OMIM 611291.

Submission:

Labcorp Genetics (formerly Invitae), Labcorp
Classification: Uncertain significance for Cernunnos-XLF deficiency. Last evaluated: 2026-01-11. Review status: criteria provided, single submitter. Criteria: Invitae Variant Classification Sherloc (09022015). Collection method: clinical testing. Allele origin: germline.
Comment: This sequence change replaces isoleucine, which is neutral and non-polar, with phenylalanine, which is neutral and non-polar, at codon 249 of the NHEJ1 protein (p.Ile249Phe). This variant is not present in population databases (gnomAD no frequency). This variant has not been reported in the literature in individuals affected with NHEJ1-related conditions. Invitae Evidence Modeling of protein sequence and biophysical properties (such as structural, functional, and spatial information, amino acid conservation, physicochemical variation, residue mobility, and thermodynamic stability) indicates that this missense variant is not expected to disrupt NHEJ1 protein function with a negative predictive value of 80%. In summary, the available evidence is currently insufficient to determine the role of this variant in disease. Therefore, it has been classified as a Variant of Uncertain Significance.

NM_024782.3(NHEJ1):c.745A>T (p.Ile249Phe)

Genes: NHEJ1 (non-homologous end joining factor 1; minus strand), LOC126806516 (BRD4-independent group 4 enhancer GRCh37_chr2:219941606-219942805; plus strand). Cytogenetic location: 2q35.
Variant type: single nucleotide variant.
Coding change: c.745A>T on transcript NM_024782.3 (MANE Select); coding-DNA position 745, A replaced by T.
Protein change: p.Ile249Phe; replaces isoleucine 249 with phenylalanine.
Molecular consequence: missense variant. On other transcripts: non-coding transcript variant (1).
Genome position (GRCh38, 1-based): chr2:219,077,326, T>A on the plus strand (A>T on the coding strand, the complement: NHEJ1 is on the minus strand). VCF-style: chr2-219077326-T-A. GRCh37 (hg19) VCF-style: chr2-219942048-T-A.
Other names: c.745A>T, p.Ile249Phe (NM_001377498.1); c.760A>T, p.Ile254Phe (NM_001377499.1); short protein forms I249F, I254F.
Identifiers: ClinVar variation 4702338 (VCV004702338.1).